The following is an entry in ClinVar:

ClinVar aggregate classification (germline): Uncertain significance (1 of 4 stars; one submission).

gnomAD v4.1: 1 of 1,458,282 alleles (0.000069%); highest among the groups gnomAD compares: Admixed American, 0.0017%; no homozygotes.

Submission:

Women's Health and Genetics/Laboratory Corporation of America, LabCorp
Classification: Uncertain significance. Last evaluated: 2024-12-26. Review status: criteria provided, single submitter. Criteria: LabCorp Variant Classification Summary - May 2015. Collection method: clinical testing. Allele origin: germline.
Comment: Variant summary: CFTR c.579+4T>G alters a non-conserved nucleotide located close to a canonical splice site and therefore could affect mRNA splicing, leading to a significantly altered protein sequence. Several computational tools predict a significant impact on normal splicing: Three predict the variant weakens a canonical 5' donor site. Three predict the variant creates a cryptic 5' donor site. However, these predictions have yet to be confirmed by functional studies. The variant allele was found at a frequency of 4e-06 in 249772 control chromosomes (gnomAD). The available data on variant occurrences in the general population are insufficient to allow any conclusion about variant significance. To our knowledge, no occurrence of c.579+4T>G in individuals affected with Chronic Pancreatitis Risk and no experimental evidence demonstrating its impact on protein function have been reported. No submitters have cited clinical-significance assessments for this variant to ClinVar. Based on the evidence outlined above, the variant was classified as uncertain significance.

NM_000492.4(CFTR):c.579+4T>G

Gene: CFTR (CF transmembrane conductance regulator; plus strand). Cytogenetic location: 7q31.2.
Variant type: single nucleotide variant.
Coding change: c.579+4T>G on transcript NM_000492.4 (MANE Select); 4 bases into the intron after coding-DNA position 579, T replaced by G.
Molecular consequence: intron variant.
Genome position (GRCh38, 1-based): chr7:117,534,369, T>G. VCF-style: chr7-117534369-T-G. GRCh37 (hg19) VCF-style: chr7-117174423-T-G.
Identifiers: ClinVar variation 3768382 (VCV003768382.1).